The following is an entry in ClinVar:

ClinVar aggregate classification (germline): Likely benign (0 of 4 stars; one submission).

Conditions:
DNAH10-related disorder. Also called: DNAH10-related condition.

Allele frequency attached by ClinVar (database versions not stated): ExAC 0.00002; gnomAD 0.00003; TOPMed 0.00004; gnomAD exomes 0.00013; ESP Exome Variant Server 0.00015.
gnomAD v4.1: 193 of 1,613,998 alleles (0.012%); highest among the groups gnomAD compares: Non-Finnish European, 0.016%; no homozygotes.

Submission:

PreventionGenetics, part of Exact Sciences
Classification: Likely benign for DNAH10-related condition. Last evaluated: 2019-06-24. Review status: no assertion criteria provided. Collection method: clinical testing. Allele origin: germline.
Comment: This variant is classified as likely benign based on ACMG/AMP sequence variant interpretation guidelines (Richards et al. 2015 PMID: 25741868, with internal and published modifications).

NM_001372106.1(DNAH10):c.2409C>T (p.Phe803=)

Gene: DNAH10 (dynein axonemal heavy chain 10; plus strand). Cytogenetic location: 12q24.31.
Variant type: single nucleotide variant.
Coding change: c.2409C>T on transcript NM_001372106.1 (MANE Select); coding-DNA position 2409, C replaced by T.
Protein change: p.Phe803=; no amino-acid change (phenylalanine 803 retained).
Molecular consequence: synonymous variant.
Genome position (GRCh38, 1-based): chr12:123,800,335, C>T. VCF-style: chr12-123800335-C-T. GRCh37 (hg19) VCF-style: chr12-124284882-C-T.
Other names: c.2055C>T, p.Phe685= (NM_001083900.1, NM_207437.3).
Identifiers: ClinVar variation 3043353 (VCV003043353.2), dbSNP rs144164191, ClinGen allele CA6863027.
Genomic context (GRCh38, chr12:123,800,335, plus strand): 5'-CTTTTCACCGGCTCTCAGAGAGATTATTAATGAAACAAAGTACTTAGAGCAGCTGGGGTT[C>T]ACTGTCCCTGAATTAGCAAGAAATGTTGCTCTCCAGGAAGACAAATTCCTTAGGTAAAAA-3'
Protein context (NP_001359035.1, residues 793-813): NETKYLEQLG[Phe803=]TVPELARNVA